The following is an entry in ClinVar:

ClinVar aggregate classification (germline): Uncertain significance. Review status: criteria provided, multiple submitters, no conflicts (2 of 4 stars). 2 submissions from 2 submitters: Uncertain significance (2). Last evaluated 2024-06-13.

Conditions:
Inborn genetic diseases. Identifiers: MedGen C0950123, MeSH D030342.

Allele frequency attached by ClinVar (database versions not stated): TOPMed 0.00001; gnomAD 0.00002.
gnomAD v4.1: 3 of 1,604,820 alleles (0.00019%); highest among the groups gnomAD compares: African/African-American, 0.004%; no homozygotes.

Submissions (2):

Labcorp Genetics (formerly Invitae), Labcorp
Classification: Uncertain significance. Last evaluated: 2024-06-13. Review status: criteria provided, single submitter. Criteria: Invitae Variant Classification Sherloc (09022015). Collection method: clinical testing. Allele origin: germline.
Comment: This sequence change replaces proline, which is neutral and non-polar, with threonine, which is neutral and polar, at codon 449 of the CDH2 protein (p.Pro449Thr). This variant is present in population databases (no rsID available, gnomAD 0.03%). This variant has not been reported in the literature in individuals affected with CDH2-related conditions. ClinVar contains an entry for this variant (Variation ID: 1770455). An algorithm developed to predict the effect of missense changes on protein structure and function (PolyPhen-2) suggests that this variant is likely to be disruptive. In summary, the available evidence is currently insufficient to determine the role of this variant in disease. Therefore, it has been classified as a Variant of Uncertain Significance.

Ambry Genetics
Classification: Uncertain significance for Inborn genetic diseases. Last evaluated: 2021-12-13. Review status: criteria provided, single submitter. Criteria: Ambry Variant Classification Scheme 2023. Collection method: clinical testing. Allele origin: germline.
Comment: The p.P449T variant (also known as c.1345C>A) is located in coding exon 10 of the CDH2 gene. The proline at codon 449 is replaced by threonine, an amino acid with highly similar properties. This change occurs in the first base pair of coding exon 10. This amino acid position is conserved. In addition, this alteration is predicted to be deleterious by in silico analysis. Since supporting evidence is limited at this time, the clinical significance of this alteration remains unclear.

NM_001792.5(CDH2):c.1345C>A (p.Pro449Thr)

Gene: CDH2 (cadherin 2; minus strand). Cytogenetic location: 18q12.1.
Variant type: single nucleotide variant.
Coding change: c.1345C>A on transcript NM_001792.5 (MANE Select); coding-DNA position 1345, C replaced by A.
Protein change: p.Pro449Thr; replaces proline 449 with threonine.
Molecular consequence: missense variant.
Genome position (GRCh38, 1-based): chr18:27,990,350, G>T on the plus strand (C>A on the coding strand, the complement: CDH2 is on the minus strand). VCF-style: chr18-27990350-G-T. GRCh37 (hg19) VCF-style: chr18-25570314-G-T.
Other names: c.1252C>A, p.Pro418Thr (NM_001308176.2); short protein forms P418T, P449T.
Identifiers: ClinVar variation 1770455 (VCV001770455.5), dbSNP rs759436092, ClinGen allele CA402109429.